The following is an entry in ClinVar:

ClinVar aggregate classification (germline): Uncertain significance (1 of 4 stars; one submission).

Submission:

Labcorp Genetics (formerly Invitae), Labcorp
Classification: Uncertain significance. Last evaluated: 2022-02-08. Review status: criteria provided, single submitter. Criteria: Invitae Variant Classification Sherloc (09022015). Collection method: clinical testing. Allele origin: germline.
Comment: In summary, the available evidence is currently insufficient to determine the role of this variant in disease. Therefore, it has been classified as a Variant of Uncertain Significance. Algorithms developed to predict the effect of missense changes on protein structure and function (SIFT, PolyPhen-2, Align-GVGD) all suggest that this variant is likely to be tolerated. ClinVar contains an entry for this variant (Variation ID: 957120). This variant has not been reported in the literature in individuals affected with ACBD5-related conditions. This variant is not present in population databases (gnomAD no frequency). This sequence change replaces methionine, which is neutral and non-polar, with leucine, which is neutral and non-polar, at codon 212 of the ACBD5 protein (p.Met212Leu).

NM_145698.5(ACBD5):c.634A>C (p.Met212Leu)

Gene: ACBD5 (acyl-CoA binding domain containing 5; minus strand). Cytogenetic location: 10p12.1.
Variant type: single nucleotide variant.
Coding change: c.634A>C on transcript NM_145698.5 (MANE Select); coding-DNA position 634, A replaced by C.
Protein change: p.Met212Leu; replaces methionine 212 with leucine.
Molecular consequence: missense variant. On other transcripts: intron variant (6).
Genome position (GRCh38, 1-based): chr10:27,218,175, T>G on the plus strand (A>C on the coding strand, the complement: ACBD5 is on the minus strand). VCF-style: chr10-27218175-T-G. GRCh37 (hg19) VCF-style: chr10-27507104-T-G.
Other names: c.529A>C, p.Met177Leu (NM_001042473.4, NM_001352577.2, NM_001352578.2 and 1 more transcripts); c.628A>C, p.Met210Leu (NM_001271512.3); c.307A>C, p.Met103Leu (NM_001301251.2, NM_001301252.2, NM_001301253.2 and 2 more transcripts); c.688A>C, p.Met230Leu (NM_001352568.1); c.667A>C, p.Met223Leu (NM_001352569.1); c.634A>C, p.Met212Leu (NM_001352570.1); c.661A>C, p.Met221Leu (NM_001352571.1); c.655A>C, p.Met219Leu (NM_001352572.1); and 10 more; short protein forms M223L, M230L, M114L, M210L, M212L, M219L, M103L, M159L.
Identifiers: ClinVar variation 957120 (VCV000957120.9), dbSNP rs2061887625, ClinGen allele CA376375827.